The following is an entry in ClinVar:

ClinVar aggregate classification (germline): Uncertain significance (1 of 4 stars; one submission).

Submission:

CeGaT Center for Human Genetics Tuebingen
Classification: Uncertain significance. Last evaluated: 2022-12-01. Review status: criteria provided, single submitter. Criteria: CeGaT Center For Human Genetics Tuebingen Variant Classification Criteria Version 2. Collection method: clinical testing. Allele origin: germline. Affected: yes. Observed: 1 variant allele.
Comment: CENPF: PM2, BP4

NM_016343.4(CENPF):c.2730A>C (p.Glu910Asp)

Gene: CENPF (centromere protein F; plus strand). Cytogenetic location: 1q41.
Variant type: single nucleotide variant.
Coding change: c.2730A>C on transcript NM_016343.4 (MANE Select); coding-DNA position 2730, A replaced by C.
Protein change: p.Glu910Asp; replaces glutamic acid 910 with aspartic acid.
Molecular consequence: missense variant.
Genome position (GRCh38, 1-based): chr1:214,641,068, A>C. VCF-style: chr1-214641068-A-C. GRCh37 (hg19) VCF-style: chr1-214814411-A-C.
Other names: short protein forms E910D.
Identifiers: ClinVar variation 2639892 (VCV002639892.24), dbSNP rs779889489, ClinGen allele CA344822791.